The following is an entry in ClinVar:

NM_032387.5(WNK4):c.98A>T (p.Gln33Leu)

Gene: WNK4 (WNK lysine deficient protein kinase 4; plus strand). Cytogenetic location: 17q21.2.
Variant type: single nucleotide variant.
Coding change: c.98A>T on transcript NM_032387.5 (MANE Select); coding-DNA position 98, A replaced by T.
Protein change: p.Gln33Leu; replaces glutamine 33 with leucine.
Molecular consequence: missense variant. On other transcripts: 5 prime UTR variant (1).
Genome position (GRCh38, 1-based): chr17:42,780,796, A>T. VCF-style: chr17-42780796-A-T. GRCh37 (hg19) VCF-style: chr17-40932814-A-T.
Other names: c.-822A>T (NM_001321299.2); short protein forms Q33L.
Identifiers: ClinVar variation 3351215 (VCV003351215.6).

ClinVar aggregate classification (germline): Conflicting classifications of pathogenicity. Review status: criteria provided, conflicting classifications (1 of 4 stars). 3 submissions from 3 submitters: Uncertain significance (1); Likely benign (1). 1 of the submissions does not count toward it. Last evaluated 2026-01-01.

Conditions:
WNK4-related disorder. Also called: WNK4-related condition.
Inborn genetic diseases. Identifiers: MedGen C0950123, MeSH D030342.

gnomAD v4.1: 45 of 1,603,158 alleles (0.0028%); highest among the groups gnomAD compares: Admixed American, 0.074%; no homozygotes.

Submissions (3):

CeGaT Center for Human Genetics Tuebingen
Classification: Likely benign. Last evaluated: 2026-01-01. Review status: criteria provided, single submitter. Criteria: CeGaT Center For Human Genetics Tuebingen Variant Classification Criteria Version 2. Collection method: clinical testing. Allele origin: germline. Affected: yes. Observed: 1 variant allele.
Comment: WNK4: BS1

Ambry Genetics
Classification: Uncertain significance for Inborn genetic diseases. Last evaluated: 2025-02-22. Review status: criteria provided, single submitter. Criteria: Ambry Variant Classification Scheme 2023. Collection method: clinical testing. Allele origin: germline.

PreventionGenetics, part of Exact Sciences
Classification: Likely benign for WNK4-related condition. Last evaluated: 2024-04-08. Review status: no assertion criteria provided. Collection method: clinical testing. Allele origin: germline. Not counted in ClinVar's aggregate classification.
Comment: This variant is classified as likely benign based on ACMG/AMP sequence variant interpretation guidelines (Richards et al. 2015 PMID: 25741868, with internal and published modifications).